The following is an entry in ClinVar:

ClinVar aggregate classification (germline): Uncertain significance (1 of 4 stars; one submission).

Conditions:
Amelocerebrohypohidrotic syndrome (KTZS). Also called: EPILEPSY AND YELLOW TEETH; EPILEPSY, DEMENTIA, AND AMELOGENESIS IMPERFECTA; KOHLSCHUTTER SYNDROME; Kohlschutter's syndrome. Identifiers: Orphanet 1946, MedGen C0406740, MONDO:0009185, OMIM 226750.

Allele frequency attached by ClinVar (database versions not stated): gnomAD 0.00001; TOPMed below 0.00001.

Submission:

Labcorp Genetics (formerly Invitae), Labcorp
Classification: Uncertain significance for Amelocerebrohypohidrotic syndrome. Last evaluated: 2016-05-10. Review status: criteria provided, single submitter. Criteria: Invitae Variant Classification Sherloc (09022015). Collection method: clinical testing. Allele origin: germline.
Comment: In summary, this variant is a novel missense change with uncertain impact on protein function. It has been classified as a Variant of Uncertain Significance. Algorithms developed to predict the effect of missense changes on protein structure and function do not agree on the potential impact of this missense change (SIFT: "Tolerated"; PolyPhen-2: "Probably Damaging"; Align-GVGD: "Class C0"). This variant is not present in population databases (ExAC no frequency) and has not been reported in the literature in individuals with a ROGDI-related disease. This sequence change replaces alanine with glycine at codon 116 of the ROGDI protein (p.Ala116Gly). The alanine residue is highly conserved and there is a small physicochemical difference between alanine and glycine.

NM_024589.3(ROGDI):c.347C>G (p.Ala116Gly)

Gene: ROGDI (rogdi atypical leucine zipper; minus strand). Cytogenetic location: 16p13.3.
Variant type: single nucleotide variant.
Coding change: c.347C>G on transcript NM_024589.3 (MANE Select); coding-DNA position 347, C replaced by G.
Protein change: p.Ala116Gly; replaces alanine 116 with glycine.
Molecular consequence: missense variant. On other transcripts: non-coding transcript variant (1).
Genome position (GRCh38, 1-based): chr16:4,799,771, G>C on the plus strand (C>G on the coding strand, the complement: ROGDI is on the minus strand). VCF-style: chr16-4799771-G-C. GRCh37 (hg19) VCF-style: chr16-4849772-G-C.
Other names: short protein forms A116G.
Identifiers: ClinVar variation 410628 (VCV000410628.8), dbSNP rs1060502982, ClinGen allele CA16614944.
Genomic context (GRCh38, chr16:4,799,771, plus strand): 5'-AACTGGTAGCTCTGGTCCCGGCTGGTAAGCAGGTAAATGGCTTGGCTCACATGGTTTCTG[G>C]CATCCTGGATCTGGAAGCAGGGGTCATCCAGAGGGGTCACGCCAGCTTCCATGCGGCCAG-3'
Protein context (NP_078865.1, residues 106-126): KQWKLQQIQD[Ala116Gly]RNHVSQAIYL